The following is an entry in ClinVar:

NM_000557.5(GDF5):c.280C>A (p.Pro94Thr)

Gene: GDF5 (growth differentiation factor 5; minus strand). Cytogenetic location: 20q11.22.
Variant type: single nucleotide variant.
Coding change: c.280C>A on transcript NM_000557.5 (MANE Select); coding-DNA position 280, C replaced by A.
Protein change: p.Pro94Thr; replaces proline 94 with threonine.
Molecular consequence: missense variant.
Genome position (GRCh38, 1-based): chr20:35,437,649, G>T on the plus strand (C>A on the coding strand, the complement: GDF5 is on the minus strand). VCF-style: chr20-35437649-G-T. GRCh37 (hg19) VCF-style: chr20-34025429-G-T.
Other names: c.280C>A, p.Pro94Thr (NM_001319138.2); short protein forms P94T.
Identifiers: ClinVar variation 3638218 (VCV003638218.2).
Genomic context (GRCh38, chr20:35,437,649, plus strand): 5'-TTTGGGGAGGGTGTCCTGGCTTGGGTTCAGGGCCGCCCGGTCTGGGGGGCAGCTTTTTGG[G>T]TTCATCCTTCTTGGGCTGTGTCAGGCCTCCTGTCTGCCCGGTGCCTCCCTTTGCCCTGGC-3'
Protein context (NP_000548.2, residues 84-104): GGLTQPKKDE[Pro94Thr]KKLPPRPGGP

ClinVar aggregate classification (germline): Uncertain significance (1 of 4 stars; one submission).

Submission:

Labcorp Genetics (formerly Invitae), Labcorp
Classification: Uncertain significance. Last evaluated: 2024-02-02. Review status: criteria provided, single submitter. Criteria: Invitae Variant Classification Sherloc (09022015). Collection method: clinical testing. Allele origin: germline.
Comment: This sequence change replaces proline, which is neutral and non-polar, with threonine, which is neutral and polar, at codon 94 of the GDF5 protein (p.Pro94Thr). This variant is not present in population databases (gnomAD no frequency). This variant has not been reported in the literature in individuals affected with GDF5-related conditions. An algorithm developed to predict the effect of missense changes on protein structure and function (PolyPhen-2) suggests that this variant is likely to be tolerated. In summary, the available evidence is currently insufficient to determine the role of this variant in disease. Therefore, it has been classified as a Variant of Uncertain Significance.